The following is an entry in ClinVar:

NM_000539.3(RHO):c.574T>C (p.Tyr192His)

Gene: RHO (rhodopsin; plus strand). Cytogenetic location: 3q22.1.
Variant type: single nucleotide variant.
Coding change: c.574T>C on transcript NM_000539.3 (MANE Select); coding-DNA position 574, T replaced by C.
Protein change: p.Tyr192His; replaces tyrosine 192 with histidine.
Molecular consequence: missense variant.
Genome position (GRCh38, 1-based): chr3:129,532,294, T>C. VCF-style: chr3-129532294-T-C. GRCh37 (hg19) VCF-style: chr3-129251137-T-C.
Other names: short protein forms Y192H.
Identifiers: ClinVar variation 3638250 (VCV003638250.2).

ClinVar aggregate classification (germline): Uncertain significance (1 of 4 stars; one submission).

Submission:

Labcorp Genetics (formerly Invitae), Labcorp
Classification: Uncertain significance. Last evaluated: 2024-02-02. Review status: criteria provided, single submitter. Criteria: Invitae Variant Classification Sherloc (09022015). Collection method: clinical testing. Allele origin: germline.
Comment: This sequence change replaces tyrosine, which is neutral and polar, with histidine, which is basic and polar, at codon 192 of the RHO protein (p.Tyr192His). This variant is not present in population databases (gnomAD no frequency). This variant has not been reported in the literature in individuals affected with RHO-related conditions. Advanced modeling of protein sequence and biophysical properties (such as structural, functional, and spatial information, amino acid conservation, physicochemical variation, residue mobility, and thermodynamic stability) performed at Invitae indicates that this missense variant is expected to disrupt RHO protein function with a positive predictive value of 80%. In summary, the available evidence is currently insufficient to determine the role of this variant in disease. Therefore, it has been classified as a Variant of Uncertain Significance.